The following is an entry in ClinVar:

NM_017617.5(NOTCH1):c.5946del (p.Asn1983fs)

Genes: NOTCH1 (notch receptor 1; minus strand), LOC126860794 (BRD4-independent group 4 enhancer GRCh37_chr9:139392592-139393791; plus strand). Cytogenetic location: 9q34.3.
Variant type: Deletion.
Coding change: c.5946del on transcript NM_017617.5 (MANE Select); coding-DNA position 5946, one base deleted (G; older notation c.5946delG).
Protein change: p.Asn1983fs; shifts the reading frame from asparagine 1983.
Molecular consequence: frameshift variant.
Genome position (GRCh38, 1-based): chr9:136,499,248, C deleted on the plus strand (G on the coding strand, the reverse complement: NOTCH1 is on the minus strand); the first of 2 consecutive C bases (chr9:136,499,248-136,499,249); deleting either gives the same sequence. VCF-style (leftmost placement, unchanged base first): chr9-136499247-TC-T. GRCh37 (hg19) VCF-style: chr9-139393699-TC-T.
Other names: short protein forms N1983fs.
Identifiers: ClinVar variation 4530433 (VCV004530433.1).
Genomic context (GRCh38, chr9:136,499,247, plus strand): 5'-CAGCCAGGATCAGTGGCGTCGTGCCATCATGCATGCGGGCATCCAGGTCTGTGGCTCGGT[TC>T]CGGATCAGGATCTGGGCAACAGGGAGAGGCTCAGGCGGGTGCTGGGCAGACGTACACCGA-3'

ClinVar aggregate classification (somatic clinical impact): Tier II - Potential (1 of 4 stars; one submission).

Conditions:
IDH-wildtype glioblastoma. Identifiers: MedGen CN372125, MONDO:0850335.

Submission:

Institute for Genomic Medicine (IGM) Clinical Laboratory, Nationwide Children's Hospital
Classification: Tier II - Potential for IDH-wildtype glioblastoma. Assertion type: diagnostic. Clinical significance: supports diagnosis. Last evaluated: 2023-01-09. Review status: criteria provided, single submitter. Criteria: AMP/ASCO/CAP Guidelines, 2017. Collection method: clinical testing. Allele origin: somatic. Affected: yes.
Comment: Variant has Tier II (potential) clinical significance as a diagnostic inclusion criterion in IDH-wildtype glioblastoma, based on the following evidence: 1) Assists in diagnosis alone or along with other biomarkers based on small studies or few case reports (Evidence Level D).